The following is an entry in ClinVar:

NC_000007.14:g.(?_21892405)_(21895019_?)del

Gene: DNAH11 (dynein axonemal heavy chain 11; plus strand). Cytogenetic location: 7p15.3.
Variant type: Deletion.
Identifiers: ClinVar variation 525586 (VCV000525586.13).

ClinVar aggregate classification (germline): Pathogenic (1 of 4 stars; one submission).

Conditions:
Primary ciliary dyskinesia. Also called: Ciliary dyskinesia. Identifiers: Orphanet 244, MedGen C0008780, MONDO:0016575, HP:0012265.

Submission:

Labcorp Genetics (formerly Invitae), Labcorp
Classification: Pathogenic for Primary ciliary dyskinesia. Last evaluated: 2023-11-04. Review status: criteria provided, single submitter. Criteria: Invitae Variant Classification Sherloc (09022015). Collection method: clinical testing. Allele origin: germline.
Comment: This variant is a gross deletion of the genomic region encompassing exon(s) 77-79 of the DNAH11 gene. This deletion is out-of-frame, and is expected to create a premature termination codon and result in an absent or disrupted protein product. Loss-of-function variants in DNAH11 are known to be pathogenic (PMID: 18022865, 20513915, 22184204). This variant has not been reported in the literature in individuals affected with DNAH11-related conditions. For these reasons, this variant has been classified as Pathogenic.

Literature cited by the submitters: PubMed 18022865; PubMed 20513915; PubMed 22184204.